The following is an entry in ClinVar:

ClinVar aggregate classification (germline): Pathogenic (0 of 4 stars; one submission).

Conditions:
Heterotaxy, visceral, 12, autosomal (HTX12). Identifiers: MedGen C5676898, MONDO:0859222, OMIM 619702.

Allele frequency attached by ClinVar (database versions not stated): gnomAD 0.00001; gnomAD exomes 0.00001; TOPMed 0.00002.
gnomAD v4.1: 5 of 702,860 alleles (0.00071%); highest among the groups gnomAD compares: Non-Finnish European, 0.0013%; no homozygotes.

Submission:

OMIM
Classification: Pathogenic for HETEROTAXY, VISCERAL, 12, AUTOSOMAL. Last evaluated: 2022-06-17. Review status: no assertion criteria provided. Collection method: literature only. Allele origin: germline.

Literature cited by the submitters: Szenker-Ravi, E. Personal Communication. 2022. Singapore.

NM_001354640.2(CIROP):c.1037G>A (p.Trp346Ter)

Gene: CIROP (ciliated left-right organizer metallopeptidase; minus strand). Cytogenetic location: 14q11.2.
Variant type: single nucleotide variant.
Coding change: c.1037G>A on transcript NM_001354640.2 (MANE Select); coding-DNA position 1037, G replaced by A.
Protein change: p.Trp346Ter; replaces tryptophan 346 with a stop codon.
Molecular consequence: nonsense.
Genome position (GRCh38, 1-based): chr14:23,102,441, C>T on the plus strand (G>A on the coding strand, the complement: CIROP is on the minus strand). VCF-style: chr14-23102441-C-T. GRCh37 (hg19) VCF-style: chr14-23571650-C-T.
Other names: c.872G>A (NM_001402427.1); short protein forms W346*.
Identifiers: ClinVar variation 1344490 (VCV001344490.2), dbSNP rs1014082266, ClinGen allele CA257764540.
Genomic context (GRCh38, chr14:23,102,441, plus strand): 5'-ACTCCCAAGTGTTTGGCCAGGCTGAGGCTAACAGCTGGGGTGGTGAGAAGCAGTTGTCCC[C>T]ACTCATCTTGCCTTGTCACTAGTTGCCTTGTAGAACAGTTCTCTCTAACTGCAGAAAGGG-3'